The following is an entry in ClinVar:

ClinVar aggregate classification (germline): Uncertain significance (1 of 4 stars; one submission).

Submission:

GeneDx
Classification: Uncertain significance. Last evaluated: 2022-05-20. Review status: criteria provided, single submitter. Criteria: GeneDx Variant Classification Process June 2021. Collection method: clinical testing. Allele origin: germline. Affected: yes.
Comment: Not observed at significant frequency in large population cohorts (gnomAD); Nonsense variant predicted to result in protein truncation as the last 34 amino acids are lost, although loss-of-function variants have not been reported downstream of this position in the protein; Has not been previously published as pathogenic or benign to our knowledge

NM_015365.3(AMMECR1):c.898G>T (p.Glu300Ter)

Gene: AMMECR1 (AMMECR nuclear protein 1; minus strand). Cytogenetic location: Xq23.
Variant type: single nucleotide variant.
Coding change: c.898G>T on transcript NM_015365.3 (MANE Select); coding-DNA position 898, G replaced by T.
Protein change: p.Glu300Ter; replaces glutamic acid 300 with a stop codon.
Molecular consequence: nonsense.
Genome position (GRCh38, 1-based): chrX:110,198,624, C>A on the plus strand (G>T on the coding strand, the complement: AMMECR1 is on the minus strand). VCF-style: chrX-110198624-C-A. GRCh37 (hg19) VCF-style: chrX-109441852-C-A.
Other names: c.787G>T, p.Glu263Ter (NM_001025580.2); c.529G>T, p.Glu177Ter (NM_001171689.2); short protein forms E177*, E263*, E300*.
Identifiers: ClinVar variation 1801042 (VCV001801042.1), dbSNP rs2522490522, ClinGen allele CA414221939.